The following is an entry in ClinVar:

NM_001853.4(COL9A3):c.1729C>T (p.Arg577Ter)

Gene: COL9A3 (collagen type IX alpha 3 chain; plus strand). Cytogenetic location: 20q13.33.
Variant type: single nucleotide variant.
Coding change: c.1729C>T on transcript NM_001853.4 (MANE Select); coding-DNA position 1729, C replaced by T.
Protein change: p.Arg577Ter; replaces arginine 577 with a stop codon.
Molecular consequence: nonsense.
Genome position (GRCh38, 1-based): chr20:62,837,208, C>T. VCF-style: chr20-62837208-C-T. GRCh37 (hg19) VCF-style: chr20-61468560-C-T.
Other names: c.1729C>T (NM_001853.3); short protein forms R577*.
Identifiers: ClinVar variation 1683456 (VCV001683456.12), dbSNP rs1201247953, ClinGen allele CA409599468.

ClinVar aggregate classification (germline): Pathogenic/Likely pathogenic. Review status: criteria provided, multiple submitters, no conflicts (2 of 4 stars). 6 submissions from 6 submitters: Pathogenic (2); Likely pathogenic (3). 1 of the submissions does not count toward it. Last evaluated 2025-08-15.

Conditions:
COL9A3-related disorders.
Epiphyseal dysplasia, multiple, 3 (EDM3). Also called: COL9A3-Related Multiple Epiphyseal Dysplasia; Epiphyseal dysplasia, multiple, 3, with or without myopathy. Identifiers: MedGen C1832998, MONDO:0010964, OMIM 600969.
Intervertebral disc disorder (IDD). Also called: INTERVERTEBRAL DISC DISEASE; Lumbar disk degenerative disorder. Identifiers: MedGen C0158252, MONDO:0044339, OMIM 603932.
Stickler syndrome. Identifiers: Orphanet 828, MedGen C0265253, MONDO:0019354.
Stickler syndrome, type 6. Also called: Stickler syndrome, type VI; Stickler syndrome, IIa 6. Identifiers: MedGen C5774207, MONDO:0031047, OMIM 620022.

gnomAD v4.1: 9 of 1,612,344 alleles (0.00056%); highest among the groups gnomAD compares: East Asian, 0.0022%; no homozygotes.

Submissions (6):

Labcorp Genetics (formerly Invitae), Labcorp
Classification: Pathogenic. Last evaluated: 2025-08-15. Review status: criteria provided, single submitter. Criteria: Invitae Variant Classification Sherloc (09022015). Collection method: clinical testing. Allele origin: germline.
Comment: This sequence change creates a premature translational stop signal (p.Arg577*) in the COL9A3 gene. It is expected to result in an absent or disrupted protein product. Loss-of-function variants in COL9A3 are known to be pathogenic (PMID: 24273071, 31090205). This variant is not present in population databases (gnomAD no frequency). This premature translational stop signal has been observed in individual(s) with Stickler syndrome (PMID: 33570243). ClinVar contains an entry for this variant (Variation ID: 1683456). For these reasons, this variant has been classified as Pathogenic.

Blueprint Genetics
Classification: Likely pathogenic for COL9A3-related disorders. Last evaluated: 2023-07-13. Review status: criteria provided, single submitter. Criteria: ACMG Guidelines, 2015. Collection method: clinical testing. Allele origin: germline. Affected: yes. Observed: 4 variant alleles.

Fulgent Genetics
Classification: Likely pathogenic for Epiphyseal dysplasia, multiple, 3; Intervertebral disc disorder. Last evaluated: 2022-05-09. Review status: criteria provided, single submitter. Criteria: ACMG Guidelines, 2015. Collection method: clinical testing. Allele origin: unknown.

ARUP Laboratories, Molecular Genetics and Genomics, ARUP Laboratories
Classification: Likely pathogenic. Last evaluated: 2022-05-04. Review status: criteria provided, single submitter. Criteria: ARUP Molecular Germline Variant Investigation Process 2021. Collection method: clinical testing. Allele origin: germline.
Comment: The COL9A3 c.1729C>T; p.Arg577Ter variant (rs1201247953) is reported in the literature in an individual with Stickler syndrome who also carried another nonsense COL9A3 variant on the opposite allele (Markova 2021). The p.Arg577Ter variant is absent from the Genome Aggregation Database, indicating it is not a common polymorphism. This variant induces an early termination codon and is predicted to result in a truncated protein or mRNA subject to nonsense-mediated decay. Based on available information, the p.Arg577Ter variant is considered to be likely pathogenic. References: Markova T et al. Clinical and genetic characterization of autosomal recessive stickler syndrome caused by novel compound heterozygous mutations in the COL9A3 gene. Mol Genet Genomic Med. 2021 Mar;9(3):e1620. PMID: 33570243.

Laboratory of Inherited Metabolic Diseases, Research centre for medical genetics
Classification: Pathogenic for Stickler syndrome. Last evaluated: 2022-04-01. Review status: criteria provided, single submitter. Criteria: ACMG Guidelines, 2015. Collection method: clinical testing. Allele origin: inherited. Affected: yes. Observed: 1 variant allele.

OMIM
Classification: Pathogenic for STICKLER SYNDROME, TYPE VI. Last evaluated: 2022-08-29. Review status: no assertion criteria provided. Collection method: literature only. Allele origin: germline. Not counted in ClinVar's aggregate classification.

Literature cited by the submitters: PubMed 24273071 (cited by Labcorp Genetics (formerly Invitae), Labcorp); PubMed 31090205 (cited by Labcorp Genetics (formerly Invitae), Labcorp); PubMed 33570243 (cited by Labcorp Genetics (formerly Invitae), Labcorp and OMIM).